The following is an entry in ClinVar:

NM_015102.5(NPHP4):c.4076G>A (p.Arg1359Gln)

Gene: NPHP4 (nephrocystin 4; minus strand). Cytogenetic location: 1p36.31.
Variant type: single nucleotide variant.
Coding change: c.4076G>A on transcript NM_015102.5 (MANE Select); coding-DNA position 4076, G replaced by A.
Protein change: p.Arg1359Gln; replaces arginine 1359 with glutamine.
Molecular consequence: missense variant. On other transcripts: non-coding transcript variant (1).
Genome position (GRCh38, 1-based): chr1:5,863,954, C>T on the plus strand (G>A on the coding strand, the complement: NPHP4 is on the minus strand). VCF-style: chr1-5863954-C-T. GRCh37 (hg19) VCF-style: chr1-5924014-C-T.
Other names: c.2537G>A, p.Arg846Gln (NM_001291593.2); c.2540G>A, p.Arg847Gln (NM_001291594.2); short protein forms R846Q, R1359Q, R847Q.
Identifiers: ClinVar variation 874843 (VCV000874843.11), dbSNP rs766202367, ClinGen allele CA553363.
Genomic context (GRCh38, chr1:5,863,954, plus strand): 5'-AAGGAGTCCTCTCTGAACCGCAGCAGCTCCGGGTGGTCGCTGTGCAGGTGGAATGTCCTC[C>T]GGGAGGGGTAGGGGTTGGTGTAGGTGATCCTCTTGTTGACACCCTTCCCTTCGCCCGCAG-3'
Protein context (NP_055917.1, residues 1349-1369): RITYTNPYPS[Arg1359Gln]RTFHLHSDHP

ClinVar aggregate classification (germline): Uncertain significance. Review status: criteria provided, multiple submitters, no conflicts (2 of 4 stars). 4 submissions from 3 submitters: Uncertain significance (4). Last evaluated 2022-03-10.

Conditions:
Nephronophthisis. Also called: Juvenile Nephronophthisis. Identifiers: Orphanet 655, MedGen C0687120, MONDO:0019005, HP:0000090.
Senior-Loken syndrome 4 (SLSN4). Identifiers: Orphanet 3156, MedGen C1846979, MONDO:0011756, OMIM 606996.
Nephronophthisis 4 (NPHP4). Also called: NEPHRONOPHTHISIS 4, JUVENILE. Identifiers: Orphanet 655, MedGen C1847013, MONDO:0011752, OMIM 606966.

Allele frequency attached by ClinVar (database versions not stated): gnomAD exomes 0.00001 and 0.00002; ExAC 0.00002; gnomAD 0.00003; TOPMed 0.00003.
gnomAD v4.1: 19 of 1,613,766 alleles (0.0012%); highest among the groups gnomAD compares: South Asian, 0.0022%; no homozygotes.

Submissions (4):

Labcorp Genetics (formerly Invitae), Labcorp
Classification: Uncertain significance for Nephronophthisis. Last evaluated: 2022-03-10. Review status: criteria provided, single submitter. Criteria: Invitae Variant Classification Sherloc (09022015). Collection method: clinical testing. Allele origin: germline.
Comment: This sequence change replaces arginine, which is basic and polar, with glutamine, which is neutral and polar, at codon 1359 of the NPHP4 protein (p.Arg1359Gln). This variant is present in population databases (rs766202367, gnomAD 0.03%). This variant has not been reported in the literature in individuals affected with NPHP4-related conditions. ClinVar contains an entry for this variant (Variation ID: 874843). Algorithms developed to predict the effect of missense changes on protein structure and function output the following: SIFT: "Tolerated"; PolyPhen-2: "Benign"; Align-GVGD: "Class C0". The glutamine amino acid residue is found in multiple mammalian species, which suggests that this missense change does not adversely affect protein function. Algorithms developed to predict the effect of sequence changes on RNA splicing suggest that this variant may create or strengthen a splice site. In summary, the available evidence is currently insufficient to determine the role of this variant in disease. Therefore, it has been classified as a Variant of Uncertain Significance.

Fulgent Genetics
Classification: Uncertain significance for Nephronophthisis 4; Senior-Loken syndrome 4. Last evaluated: 2022-02-17. Review status: criteria provided, single submitter. Criteria: ACMG Guidelines, 2015. Collection method: clinical testing. Allele origin: unknown.

Illumina Laboratory Services, Illumina
Classification: Uncertain significance for Nephronophthisis 4. Last evaluated: 2018-01-12. Review status: criteria provided, single submitter. Criteria: ICSL Variant Classification Criteria 13 December 2019. Collection method: clinical testing. Allele origin: germline.

Illumina Laboratory Services, Illumina
Classification: Uncertain significance for Senior-Loken syndrome 4. Last evaluated: 2018-01-12. Review status: criteria provided, single submitter. Criteria: ICSL Variant Classification Criteria 13 December 2019. Collection method: clinical testing. Allele origin: germline.